The following is an entry in ClinVar:

NM_015909.4(NBAS):c.1392AGA[2] (p.Glu466del)

Gene: NBAS (NBAS subunit of NRZ tethering complex; minus strand). Cytogenetic location: 2p24.3.
Variant type: Microsatellite.
Coding change: c.1392AGA[2] on transcript NM_015909.4 (MANE Select); two copies in a row of the 3-base unit AGA starting at c.1392; the reference has three copies in a row; one copy, 3 bases deleted.
Protein change: p.Glu466del; deletes glutamic acid 466.
Molecular consequence: inframe deletion. On other transcripts: non-coding transcript variant (1).
Genome position (GRCh38, 1-based): chr2:15,474,266-15,474,268, TCT deleted on the plus strand (AGA on the coding strand, the reverse complement: NBAS is on the minus strand); deleting any 3 consecutive bases within chr2:15,474,266-15,474,274 gives the same sequence; the position shown is the placement nearest the transcript's 3' end. VCF-style (leftmost placement, unchanged base first): chr2-15474265-ATCT-A. GRCh37 (hg19) VCF-style: chr2-15614389-ATCT-A.
Other names: short protein forms E466del.
Identifiers: ClinVar variation 1492370 (VCV001492370.8), dbSNP rs2148585790, ClinGen allele CA2580611593.

ClinVar aggregate classification (germline): Uncertain significance (1 of 4 stars; one submission).

Submission:

Labcorp Genetics (formerly Invitae), Labcorp
Classification: Uncertain significance. Last evaluated: 2021-02-11. Review status: criteria provided, single submitter. Criteria: Invitae Variant Classification Sherloc (09022015). Collection method: clinical testing. Allele origin: germline.
Comment: In summary, the available evidence is currently insufficient to determine the role of this variant in disease. Therefore, it has been classified as a Variant of Uncertain Significance. Experimental studies and prediction algorithms are not available or were not evaluated, and the functional significance of this variant is currently unknown. This variant has not been reported in the literature in individuals with NBAS-related conditions. This variant is not present in population databases (ExAC no frequency). This variant, c.1398_1400del, results in the deletion of 1 amino acid(s) of the NBAS protein (p.Glu466del), but otherwise preserves the integrity of the reading frame.